The following is an entry in ClinVar:

NM_006648.4(WNK2):c.4720A>G (p.Thr1574Ala)

Gene: WNK2 (WNK lysine deficient protein kinase 2; plus strand). Cytogenetic location: 9q22.31.
Variant type: single nucleotide variant.
Coding change: c.4720A>G on transcript NM_006648.4 (MANE Select); coding-DNA position 4720, A replaced by G.
Protein change: p.Thr1574Ala; replaces threonine 1574 with alanine.
Molecular consequence: missense variant.
Genome position (GRCh38, 1-based): chr9:93,289,474, A>G. VCF-style: chr9-93289474-A-G. GRCh37 (hg19) VCF-style: chr9-96051756-A-G.
Other names: c.4831A>G, p.Thr1611Ala (NM_001282394.3); short protein forms T1611A, T1574A.
Identifiers: ClinVar variation 3470304 (VCV003470304.1).
Genomic context (GRCh38, chr9:93,289,474, plus strand): 5'-GAGAAGCTGCGGACTCTGCTCTACCAGGAGCACGTGCCCACCTCCTCAGCCTCAGCTGGG[A>G]CCCCTGTGGAGGTGGGCGACAGAGACTTCACCCTGGAGCCCCTGAGAGGGGACCAGCCCC-3'
Protein context (NP_006639.3, residues 1564-1584): HVPTSSASAG[Thr1574Ala]PVEVGDRDFT

ClinVar aggregate classification (germline): Uncertain significance (1 of 4 stars; one submission).

gnomAD v4.1: 21 of 1,611,634 alleles (0.0013%); highest among the groups gnomAD compares: Non-Finnish European, 0.0017%; no homozygotes.

Submission:

Ambry Genetics
Classification: Uncertain significance. Last evaluated: 2024-11-22. Review status: criteria provided, single submitter. Criteria: Ambry Variant Classification Scheme 2023. Collection method: clinical testing. Allele origin: germline.
Comment: The p.T1574A variant (also known as c.4720A>G), located in coding exon 19 of the WNK2 gene, results from an A to G substitution at nucleotide position 4720. The threonine at codon 1574 is replaced by alanine, an amino acid with similar properties. This amino acid position is conserved. In addition, this alteration is predicted to be tolerated by in silico analysis. Based on the available evidence, the clinical significance of this variant remains unclear.